The following is an entry in ClinVar:

ClinVar aggregate classification (germline): Likely benign. Review status: criteria provided, multiple submitters, no conflicts (2 of 4 stars). 3 submissions from 3 submitters: Likely benign (2). 1 of the submissions does not count toward it. Last evaluated 2024-02-11.

Conditions:
COL4A5-related disorder. Also called: COL4A5-related condition.

Allele frequency attached by ClinVar (database versions not stated): ExAC 0.00001; gnomAD exomes 0.00002.
gnomAD v4.1: 16 of 1,210,649 alleles (0.0013%); highest among the groups gnomAD compares: Admixed American, 0.0022%; no homozygotes.

Submissions (3):

Labcorp Genetics (formerly Invitae), Labcorp
Classification: Likely benign. Last evaluated: 2024-02-11. Review status: criteria provided, single submitter. Criteria: Invitae Variant Classification Sherloc (09022015). Collection method: clinical testing. Allele origin: germline.

Blueprint Genetics
Classification: Likely benign. Last evaluated: 2023-11-28. Review status: criteria provided, single submitter. Criteria: ACMG Guidelines, 2015. Collection method: clinical testing. Allele origin: germline.

PreventionGenetics, part of Exact Sciences
Classification: Likely benign for COL4A5-related condition. Last evaluated: 2024-08-15. Review status: no assertion criteria provided. Collection method: clinical testing. Allele origin: germline. Not counted in ClinVar's aggregate classification.
Comment: This variant is classified as likely benign based on ACMG/AMP sequence variant interpretation guidelines (Richards et al. 2015 PMID: 25741868, with internal and published modifications).

NM_033380.3(COL4A5):c.3318C>T (p.Pro1106=)

Gene: COL4A5 (collagen type IV alpha 5 chain; plus strand). Cytogenetic location: Xq22.3.
Variant type: single nucleotide variant.
Coding change: c.3318C>T on transcript NM_033380.3 (MANE Select); coding-DNA position 3318, C replaced by T.
Protein change: p.Pro1106=; no amino-acid change (proline 1106 retained).
Molecular consequence: synonymous variant.
Genome position (GRCh38, 1-based): chrX:108,655,402, C>T. VCF-style: chrX-108655402-C-T. GRCh37 (hg19) VCF-style: chrX-107898632-C-T.
Other names: c.3318C>T, p.Pro1106= (NM_000495.5); c.3318C>T (NM_000495.4).
Identifiers: ClinVar variation 1080261 (VCV001080261.11), dbSNP rs766814684, ClinGen allele CA10489092.